The following is an entry in ClinVar:

NM_001370259.2(MEN1):c.1640A>T (p.Glu547Val)

Gene: MEN1 (menin 1; minus strand). Cytogenetic location: 11q13.1.
Variant type: single nucleotide variant.
Coding change: c.1640A>T on transcript NM_001370259.2 (MANE Select); coding-DNA position 1640, A replaced by T.
Protein change: p.Glu547Val; replaces glutamic acid 547 with valine.
Molecular consequence: missense variant. On other transcripts: non-coding transcript variant (4).
Genome position (GRCh38, 1-based): chr11:64,804,527, T>A on the plus strand (A>T on the coding strand, the complement: MEN1 is on the minus strand). VCF-style: chr11-64804527-T-A. GRCh37 (hg19) VCF-style: chr11-64571999-T-A.
Other names: c.1655A>T, p.Glu552Val (NM_000244.4, NM_001407145.1, NM_130800.3 and 4 more transcripts); c.1766A>T, p.Glu589Val (NM_001370251.2, NM_001407142.1, NM_001407143.1 and 1 more transcripts); c.1640A>T, p.Glu547Val (NM_001370260.2, NM_001370261.2, NM_001407146.1 and 2 more transcripts); c.1535A>T, p.Glu512Val (NM_001370262.2, NM_001370263.2, NM_001407148.1 and 1 more transcripts); c.1781A>T, p.Glu594Val (NM_001407150.1); c.1661A>T, p.Glu554Val (NM_001407151.1); c.1475A>T, p.Glu492Val (NM_001407152.1); short protein forms E492V, E512V, E547V, E552V, E554V, E589V, E594V.
Identifiers: ClinVar variation 3229076 (VCV003229076.1), dbSNP rs914488914, ClinGen allele CA381177933.

ClinVar aggregate classification (germline): Uncertain significance (1 of 4 stars; one submission).

Conditions:
Hereditary cancer-predisposing syndrome. Also called: Neoplastic Syndromes, Hereditary; Tumor predisposition; Hereditary neoplastic syndrome; Hereditary Cancer Syndrome. Identifiers: Orphanet 140162, MedGen C0027672, MeSH D009386, MONDO:0015356.

Submission:

Ambry Genetics
Classification: Uncertain significance for Hereditary cancer-predisposing syndrome. Last evaluated: 2023-12-13. Review status: criteria provided, single submitter. Criteria: Ambry Variant Classification Scheme 2023. Collection method: clinical testing. Allele origin: germline.
Comment: The p.E547V variant (also known as c.1640A>T), located in coding exon 9 of the MEN1 gene, results from an A to T substitution at nucleotide position 1640. The glutamic acid at codon 547 is replaced by valine, an amino acid with dissimilar properties. This amino acid position is conserved. In addition, the in silico prediction for this alteration is inconclusive. Since supporting evidence is limited at this time, the clinical significance of this alteration remains unclear.